The following is an entry in ClinVar:

NM_007190.4(SEC23IP):c.3000T>C (p.His1000=)

Gene: SEC23IP (SEC23 interacting protein; plus strand). Cytogenetic location: 10q26.12.
Variant type: single nucleotide variant.
Coding change: c.3000T>C on transcript NM_007190.4 (MANE Select); coding-DNA position 3000, T replaced by C.
Protein change: p.His1000=; no amino-acid change (histidine 1000 retained).
Molecular consequence: synonymous variant. On other transcripts: non-coding transcript variant (1).
Genome position (GRCh38, 1-based): chr10:119,933,764, T>C. VCF-style: chr10-119933764-T-C. GRCh37 (hg19) VCF-style: chr10-121693276-T-C.
Other names: c.2997T>C, p.His999= (NM_001411070.1).
Identifiers: ClinVar variation 2640882 (VCV002640882.24), dbSNP rs144594354, ClinGen allele CA5718989.

ClinVar aggregate classification (germline): Likely benign (1 of 4 stars; one submission).

Allele frequency attached by ClinVar (database versions not stated): ExAC 0.00001; gnomAD 0.00001; ESP Exome Variant Server 0.00008.
gnomAD v4.1: 27 of 1,550,150 alleles (0.0017%); highest among the groups gnomAD compares: African/African-American, 0.0027%; no homozygotes.

Submission:

CeGaT Center for Human Genetics Tuebingen
Classification: Likely benign. Last evaluated: 2022-09-01. Review status: criteria provided, single submitter. Criteria: CeGaT Center For Human Genetics Tuebingen Variant Classification Criteria Version 2. Collection method: clinical testing. Allele origin: germline. Affected: yes. Observed: 1 variant allele.
Comment: SEC23IP: BP4, BP7